The following is an entry in ClinVar:

ClinVar aggregate classification (germline): Uncertain significance. Review status: criteria provided, multiple submitters, no conflicts (2 of 4 stars). 2 submissions from 2 submitters: Uncertain significance (2). Last evaluated 2025-08-21.

Conditions:
Inborn genetic diseases. Identifiers: MedGen C0950123, MeSH D030342.
Perlman syndrome (PRLMNS). Identifiers: Orphanet 2849, MedGen C0796113, MONDO:0009965, OMIM 267000.

Allele frequency attached by ClinVar (database versions not stated): gnomAD exomes below 0.00001; ExAC 0.00001; gnomAD 0.00001; TOPMed 0.00001.
gnomAD v4.1: 6 of 1,610,736 alleles (0.00037%); highest among the groups gnomAD compares: South Asian, 0.0022%; no homozygotes.

Submissions (2):

Ambry Genetics
Classification: Uncertain significance for Inborn genetic diseases. Last evaluated: 2025-08-21. Review status: criteria provided, single submitter. Criteria: Ambry Variant Classification Scheme 2023. Collection method: clinical testing. Allele origin: germline.

Labcorp Genetics (formerly Invitae), Labcorp
Classification: Uncertain significance for Perlman syndrome. Last evaluated: 2023-07-25. Review status: criteria provided, single submitter. Criteria: Invitae Variant Classification Sherloc (09022015). Collection method: clinical testing. Allele origin: germline.
Comment: This sequence change replaces aspartic acid, which is acidic and polar, with asparagine, which is neutral and polar, at codon 783 of the DIS3L2 protein (p.Asp783Asn). The frequency data for this variant in the population databases is considered unreliable, as metrics indicate poor data quality at this position in the gnomAD database. This variant has not been reported in the literature in individuals affected with DIS3L2-related conditions. ClinVar contains an entry for this variant (Variation ID: 1390981). Advanced modeling of protein sequence and biophysical properties (such as structural, functional, and spatial information, amino acid conservation, physicochemical variation, residue mobility, and thermodynamic stability) performed at Invitae indicates that this missense variant is expected to disrupt DIS3L2 protein function. In summary, the available evidence is currently insufficient to determine the role of this variant in disease. Therefore, it has been classified as a Variant of Uncertain Significance.

NM_152383.5(DIS3L2):c.2347G>A (p.Asp783Asn)

Gene: DIS3L2 (DIS3 like 3'-5' exoribonuclease 2; plus strand). Cytogenetic location: 2q37.1.
Variant type: single nucleotide variant.
Coding change: c.2347G>A on transcript NM_152383.5 (MANE Select); coding-DNA position 2347, G replaced by A.
Protein change: p.Asp783Asn; replaces aspartic acid 783 with asparagine.
Molecular consequence: missense variant. On other transcripts: non-coding transcript variant (2), intron variant (1).
Genome position (GRCh38, 1-based): chr2:232,334,688, G>A. VCF-style: chr2-232334688-G-A. GRCh37 (hg19) VCF-style: chr2-233199398-G-A.
Other names: c.1582-8657G>A (NM_001257281.2); c.2347G>A (NM_152383.4); short protein forms D783N.
Identifiers: ClinVar variation 1390981 (VCV001390981.9), dbSNP rs765980897, ClinGen allele CA2164503.
Genomic context (GRCh38, chr2:232,334,688, plus strand): 5'-CAGGAGAGTGGCCCCCTGGAGTCAGAAGCCATGGTGATGGGCATCCTGAAGCAAGCCTTC[G>A]ACGTGCTGGTGCTGCGCTACGGCGTGCAGAAGCGCATCTACTGCAACGTGAGTGCCCTGG-3'
Protein context (NP_689596.4, residues 773-793): MVMGILKQAF[Asp783Asn]VLVLRYGVQK